The following is an entry in ClinVar:

NM_020778.5(ALPK3):c.1568A>G (p.Gln523Arg)

Genes: ALPK3 (alpha kinase 3; plus strand), LOC111718493 (skeletal muscle cis-regulatory module overlapping ALPK3; plus strand). Cytogenetic location: 15q25.3.
Variant type: single nucleotide variant.
Coding change: c.1568A>G on transcript NM_020778.5 (MANE Select); coding-DNA position 1568, A replaced by G.
Protein change: p.Gln523Arg; replaces glutamine 523 with arginine.
Molecular consequence: missense variant.
Genome position (GRCh38, 1-based): chr15:84,840,847, A>G. VCF-style: chr15-84840847-A-G. GRCh37 (hg19) VCF-style: chr15-85384078-A-G.
Other names: c.2174A>G (NM_020778.4); short protein forms Q523R.
Identifiers: ClinVar variation 2078328 (VCV002078328.5), dbSNP rs1370091114, ClinGen allele CA393375973.

ClinVar aggregate classification (germline): Uncertain significance. Review status: criteria provided, multiple submitters, no conflicts (2 of 4 stars). 2 submissions from 2 submitters: Uncertain significance (2). Last evaluated 2025-05-04.

Conditions:
Cardiovascular phenotype. Identifiers: MedGen CN230736.

Allele frequency attached by ClinVar (database versions not stated): TOPMed below 0.00001.
gnomAD v4.1: 4 of 1,614,168 alleles (0.00025%); highest among the groups gnomAD compares: Non-Finnish European, 0.00034%; no homozygotes.

Submissions (2):

Ambry Genetics
Classification: Uncertain significance for Cardiovascular phenotype. Last evaluated: 2025-05-04. Review status: criteria provided, single submitter. Criteria: Ambry Variant Classification Scheme 2023. Collection method: clinical testing. Allele origin: germline.

Labcorp Genetics (formerly Invitae), Labcorp
Classification: Uncertain significance. Last evaluated: 2022-07-30. Review status: criteria provided, single submitter. Criteria: Invitae Variant Classification Sherloc (09022015). Collection method: clinical testing. Allele origin: germline.
Comment: Algorithms developed to predict the effect of missense changes on protein structure and function (SIFT, PolyPhen-2, Align-GVGD) all suggest that this variant is likely to be tolerated. In summary, the available evidence is currently insufficient to determine the role of this variant in disease. Therefore, it has been classified as a Variant of Uncertain Significance. This sequence change replaces glutamine, which is neutral and polar, with arginine, which is basic and polar, at codon 725 of the ALPK3 protein (p.Gln725Arg). This variant is not present in population databases (gnomAD no frequency). This variant has not been reported in the literature in individuals affected with ALPK3-related conditions.